The following is an entry in ClinVar:

ClinVar aggregate classification (germline): Uncertain significance (1 of 4 stars; one submission).

Conditions:
Neuropathy, hereditary sensory, type 2C. Also called: Hereditary sensory and autonomic neuropathy type IIC; KIF1A-Related HSAN2 (HSAN2C). Identifiers: Orphanet 970, MedGen C3280168, MONDO:0013634, OMIM 614213.
Intellectual disability, autosomal dominant 9 (NESCAVS). Also called: NESCAV SYNDROME; KIF1A-Related Neurodevelopmental Disorder. Identifiers: Orphanet 662367, MedGen C5393830, MONDO:0013656, OMIM 614255.
Hereditary spastic paraplegia 30. Identifiers: Orphanet 101010, MedGen C5235139, MONDO:0012476.

Submission:

Labcorp Genetics (formerly Invitae), Labcorp
Classification: Uncertain significance for Hereditary spastic paraplegia 30; Neuropathy, hereditary sensory, type 2C; Intellectual disability, autosomal dominant 9. Last evaluated: 2016-09-23. Review status: criteria provided, single submitter. Criteria: Invitae Variant Classification Sherloc (09022015). Collection method: clinical testing. Allele origin: germline.
Comment: This variant is a gross duplication of the genomic region encompassing exons 38 to 46 of the KIF1A gene. The 5' boundary is likely confined to intron 37. The 3' end of this event is unknown as it extends beyond the assayed region for this gene and therefore may encompass additional genes. This variant has not been reported in the literature in individuals with a KIF1A-related disease, and its frequency in the general population is not known. In summary, because the exact 3' boundary of this variant has not been determined, and whether this duplication occurs in tandem is not known, the impact of this duplication on KIF1A protein function can not be established. Therefore, it has been classified as a Variant of Uncertain Significance.

Single allele

Gene: KIF1A (kinesin family member 1A; minus strand). Cytogenetic location: 2q37.3.
Variant type: Duplication.
Identifiers: ClinVar variation 464209 (VCV000464209.1).